The following is an entry in ClinVar:

NM_032119.4(ADGRV1):c.17896G>A (p.Ala5966Thr)

Gene: ADGRV1 (adhesion G protein-coupled receptor V1; plus strand). Cytogenetic location: 5q14.3.
Variant type: single nucleotide variant.
Coding change: c.17896G>A on transcript NM_032119.4 (MANE Select); coding-DNA position 17896, G replaced by A.
Protein change: p.Ala5966Thr; replaces alanine 5966 with threonine.
Molecular consequence: missense variant. On other transcripts: non-coding transcript variant (1).
Genome position (GRCh38, 1-based): chr5:90,965,454, G>A. VCF-style: chr5-90965454-G-A. GRCh37 (hg19) VCF-style: chr5-90261271-G-A.
Other names: short protein forms A5966T.
Identifiers: ClinVar variation 938358 (VCV000938358.11), dbSNP rs200380522, ClinGen allele CA3342500.

ClinVar aggregate classification (germline): Conflicting classifications of pathogenicity. Review status: criteria provided, conflicting classifications (1 of 4 stars). 3 submissions from 3 submitters: Uncertain significance (2); Likely benign (1). Last evaluated 2026-03-25.

Conditions:
ADGRV1-related disorder. Also called: ADGRV1-related disorders; ADGRV1-related condition.

Allele frequency attached by ClinVar (database versions not stated): gnomAD 0.00004 and 0.00006; TOPMed 0.00004; ExAC 0.00006; 1000 Genomes Project 30x 0.00031; 1000 Genomes Project 0.00040.
gnomAD v4.1: 67 of 1,613,630 alleles (0.0042%); highest among the groups gnomAD compares: South Asian, 0.019%; no homozygotes.

Submissions (3):

PreventionGenetics, part of Exact Sciences
Classification: Uncertain significance for ADGRV1-related condition. Last evaluated: 2026-03-25. Review status: criteria provided, single submitter. Criteria: ACMG Guidelines, 2015. Collection method: clinical testing. Allele origin: germline.
Comment: The ADGRV1 c.17896G>A variant is predicted to result in the amino acid substitution p.Ala5966Thr. To our knowledge, this variant has not been reported in the literature. This variant is reported in 0.023% of alleles in individuals of Latino descent in gnomAD. At this time, the clinical significance of this variant is uncertain due to the absence of conclusive functional and genetic evidence.

Labcorp Genetics (formerly Invitae), Labcorp
Classification: Likely benign. Last evaluated: 2026-01-02. Review status: criteria provided, single submitter. Criteria: Invitae Variant Classification Sherloc (09022015). Collection method: clinical testing. Allele origin: germline.

GeneDx
Classification: Uncertain significance. Last evaluated: 2025-09-30. Review status: criteria provided, single submitter. Criteria: GeneDx Variant Classification Process June 2021. Collection method: clinical testing. Allele origin: germline.
Comment: Identified as a de novo variant in a patient with a developmental disorder and de novo variants in several other genes in published literature (PMID: 33057194); In silico analysis suggests that this missense variant does not alter protein structure/function; This variant is associated with the following publications: (PMID: 33057194, 35982159)